The following is an entry in ClinVar:

NM_003470.3(USP7):c.351C>A (p.Phe117Leu)

Gene: USP7 (ubiquitin specific peptidase 7; minus strand). Cytogenetic location: 16p13.2.
Variant type: single nucleotide variant.
Coding change: c.351C>A on transcript NM_003470.3 (MANE Select); coding-DNA position 351, C replaced by A.
Protein change: p.Phe117Leu; replaces phenylalanine 117 with leucine.
Molecular consequence: missense variant. On other transcripts: non-coding transcript variant (1).
Genome position (GRCh38, 1-based): chr16:8,923,247, G>T on the plus strand (C>A on the coding strand, the complement: USP7 is on the minus strand). VCF-style: chr16-8923247-G-T. GRCh37 (hg19) VCF-style: chr16-9017104-G-T.
Other names: c.303C>A, p.Phe101Leu (NM_001286457.2); c.54C>A, p.Phe18Leu (NM_001286458.2); c.177C>A, p.Phe59Leu (NM_001321858.2); short protein forms F117L, F101L, F18L, F59L.
Identifiers: ClinVar variation 2091911 (VCV002091911.4), dbSNP rs2549250172, ClinGen allele CA394705293.

ClinVar aggregate classification (germline): Uncertain significance (1 of 4 stars; one submission).

Submission:

Labcorp Genetics (formerly Invitae), Labcorp
Classification: Uncertain significance. Last evaluated: 2024-02-23. Review status: criteria provided, single submitter. Criteria: Invitae Variant Classification Sherloc (09022015). Collection method: clinical testing. Allele origin: germline.
Comment: This sequence change replaces phenylalanine, which is neutral and non-polar, with leucine, which is neutral and non-polar, at codon 117 of the USP7 protein (p.Phe117Leu). This variant is not present in population databases (gnomAD no frequency). This variant has not been reported in the literature in individuals affected with USP7-related conditions. ClinVar contains an entry for this variant (Variation ID: 2091911). An algorithm developed to predict the effect of missense changes on protein structure and function (PolyPhen-2) suggests that this variant is likely to be disruptive. In summary, the available evidence is currently insufficient to determine the role of this variant in disease. Therefore, it has been classified as a Variant of Uncertain Significance.